The following is an entry in ClinVar:

ClinVar aggregate classification (germline): Conflicting classifications of pathogenicity. Review status: criteria provided, conflicting classifications (1 of 4 stars). 2 submissions from 2 submitters: Likely pathogenic (1); Uncertain significance (1). Last evaluated 2025-05-09.

Conditions:
Familial thoracic aortic aneurysm and aortic dissection (TAAD). Also called: Thoracic aortic aneurysms and dissections. Identifiers: Orphanet 91387, MedGen C4707243, MONDO:0019625.

Submissions (2):

Ambry Genetics
Classification: Uncertain significance for Familial thoracic aortic aneurysm and aortic dissection. Last evaluated: 2025-05-09. Review status: criteria provided, single submitter. Criteria: Ambry Variant Classification Scheme 2023. Collection method: clinical testing. Allele origin: germline.
Comment: The c.532+2T>C intronic variant results from a T to C substitution two nucleotides after coding exon 3 in the SMAD3 gene. Alterations that disrupt the canonical splice site are expected to result in aberrant splicing. In silico splice site analysis predicts that this alteration will weaken the native splice donor site and may result in the creation or strengthening of a novel splice donor site. A resulting transcript is predicted to be in-frame and is not expected to trigger nonsense-mediated mRNAdecay; although, direct evidence is unavailable. This nucleotide position is highly conserved in available vertebrate species. Based on the available evidence, the clinical significance of this variant remains unclear.

Labcorp Genetics (formerly Invitae), Labcorp
Classification: Likely pathogenic for Familial thoracic aortic aneurysm and aortic dissection. Last evaluated: 2025-05-04. Review status: criteria provided, single submitter. Criteria: Invitae Variant Classification Sherloc (09022015). Collection method: clinical testing. Allele origin: germline.
Comment: This sequence change affects a donor splice site in intron 3 of the SMAD3 gene. It is expected to disrupt RNA splicing. Variants that disrupt the donor or acceptor splice site typically lead to a loss of protein function (PMID: 16199547), and loss-of-function variants in SMAD3 are known to be pathogenic (PMID: 21778426, 24804794). This variant is not present in population databases (gnomAD no frequency). Disruption of this splice site has been observed in individual(s) with SMAD3-related conditions (PMID: 32935439). Algorithms developed to predict the effect of sequence changes on RNA splicing suggest that this variant may disrupt the consensus splice site. In summary, the currently available evidence indicates that the variant is pathogenic, but additional data are needed to prove that conclusively. Therefore, this variant has been classified as Likely Pathogenic.

Literature cited by the submitters: PubMed 16199547 (cited by Labcorp Genetics (formerly Invitae), Labcorp); PubMed 21778426 (cited by Labcorp Genetics (formerly Invitae), Labcorp); PubMed 24804794 (cited by Labcorp Genetics (formerly Invitae), Labcorp); PubMed 32935439 (cited by Labcorp Genetics (formerly Invitae), Labcorp).

NM_005902.4(SMAD3):c.532+2T>C

Gene: SMAD3 (SMAD family member 3; plus strand). Cytogenetic location: 15q22.33.
Variant type: single nucleotide variant.
Coding change: c.532+2T>C on transcript NM_005902.4 (MANE Select); the canonical splice donor site of the intron after coding-DNA position 532, T replaced by C.
Molecular consequence: splice donor variant. On other transcripts: intron variant (2).
Genome position (GRCh38, 1-based): chr15:67,165,386, T>C. VCF-style: chr15-67165386-T-C. GRCh37 (hg19) VCF-style: chr15-67457724-T-C.
Other names: c.400+298T>C (NM_001407012.1); c.385+2T>C (NM_001407014.1); c.217+2T>C (NM_001145102.2, NM_001407016.1); c.85+298T>C (NM_001407015.1); c.400+2T>C (NM_001145103.2); c.532+2T>C (NM_001407011.1, NM_001407013.1).
Identifiers: ClinVar variation 3958346 (VCV003958346.2).